The following is an entry in ClinVar:

NM_001353655.3(CDCP2):c.1117+107_1117+108insCG

Gene: CDCP2 (CUB domain containing protein 2; minus strand). Cytogenetic location: 1p32.3.
Variant type: Insertion.
Coding change: c.1117+107_1117+108insCG on transcript NM_001353655.3 (MANE Select); bases 107 to 108 of the intron after coding-DNA position 1117, CG inserted.
Molecular consequence: intron variant. On other transcripts: frameshift variant (2).
Genome position: GRCh38 VCF-style: chr1-54139645-T-TGC. GRCh37 (hg19) VCF-style: chr1-54605318-T-TGC.
Other names: c.1223_1225insCG, p.Pro408Profs (NM_001412141.1); c.1224_1225insGC, p.Met409fs (NM_201546.5); short protein forms M409fs.
Identifiers: ClinVar variation 2638827 (VCV002638827.24), dbSNP rs1553173737, ClinGen allele CA864078.

ClinVar aggregate classification (germline): Likely benign (1 of 4 stars; one submission).

Submission:

CeGaT Center for Human Genetics Tuebingen
Classification: Likely benign. Last evaluated: 2022-12-01. Review status: criteria provided, single submitter. Criteria: CeGaT Center For Human Genetics Tuebingen Variant Classification Criteria Version 2. Collection method: clinical testing. Allele origin: germline. Affected: yes. Observed: 1 variant allele.
Comment: CDCP2: BS2